The following is an entry in ClinVar:

NM_032444.4(SLX4):c.2853G>A (p.Glu951=)

Gene: SLX4 (SLX4 structure-specific endonuclease subunit; minus strand). Cytogenetic location: 16p13.3.
Variant type: single nucleotide variant.
Coding change: c.2853G>A on transcript NM_032444.4 (MANE Select); coding-DNA position 2853, G replaced by A.
Protein change: p.Glu951=; no amino-acid change (glutamic acid 951 retained).
Molecular consequence: synonymous variant.
Genome position (GRCh38, 1-based): chr16:3,590,785, C>T on the plus strand (G>A on the coding strand, the complement: SLX4 is on the minus strand). VCF-style: chr16-3590785-C-T. GRCh37 (hg19) VCF-style: chr16-3640786-C-T.
Identifiers: ClinVar variation 3390093 (VCV003390093.14).
Genomic context (GRCh38, chr16:3,590,785, plus strand): 5'-TTCTTTTCTCTCTGCCTGGCAGTCCCTGGAAGGGCTGGAGCAGCTGGAATGGCCAAGCGC[C>T]TCCTCTGGCGCCTCCTGCTCAGGGGCCTCTGCTCCCCGTGCCCCTGAGTGCTGGCCCTGG-3'
Protein context (NP_115820.2, residues 941-961): AEAPEQEAPE[Glu951=]ALGHSSCSSP

ClinVar aggregate classification (germline): Likely benign (1 of 4 stars; one submission).

gnomAD v4.1: 9 of 1,613,942 alleles (0.00056%); highest among the groups gnomAD compares: Non-Finnish European, 0.00076%; no homozygotes.

Submission:

CeGaT Center for Human Genetics Tuebingen
Classification: Likely benign. Last evaluated: 2024-11-01. Review status: criteria provided, single submitter. Criteria: CeGaT Center For Human Genetics Tuebingen Variant Classification Criteria Version 2. Collection method: clinical testing. Allele origin: germline. Affected: yes. Observed: 1 variant allele.
Comment: SLX4: BP4, BP7